The following is an entry in ClinVar:

NM_058216.3(RAD51C):c.706-10C>T

Gene: RAD51C (RAD51 paralog C; plus strand). Cytogenetic location: 17q22.
Variant type: single nucleotide variant.
Coding change: c.706-10C>T on transcript NM_058216.3 (MANE Select); 10 bases into the intron before coding-DNA position 706, C replaced by T.
Molecular consequence: intron variant.
Genome position (GRCh38, 1-based): chr17:58,709,849, C>T. VCF-style: chr17-58709849-C-T. GRCh37 (hg19) VCF-style: chr17-56787210-C-T.
Identifiers: ClinVar variation 2116970 (VCV002116970.5), dbSNP rs769038796, ClinGen allele CA8677321.

ClinVar aggregate classification (germline): Likely benign. Review status: criteria provided, multiple submitters, no conflicts (2 of 4 stars). 2 submissions from 2 submitters: Likely benign (2). Last evaluated 2025-02-18.

Conditions:
Fanconi anemia complementation group O. Also called: RAD51C-Related Fanconi Anemia. Identifiers: Orphanet 84, MedGen C3150653, MONDO:0013248, OMIM 613390.
Breast-ovarian cancer, familial, susceptibility to, 3. Also called: RAD51C-Related Breast/Ovarian Cancer. Identifiers: Orphanet 145, MedGen C3150659, MONDO:0013253, OMIM 613399.

Allele frequency attached by ClinVar (database versions not stated): gnomAD exomes below 0.00001; ExAC 0.00001.
gnomAD v4.1: 1 of 1,598,766 alleles (0.000063%); no homozygotes.

Submissions (2):

Myriad Genetics, Inc.
Classification: Likely benign for Breast-ovarian cancer, familial, susceptibility to, 3. Last evaluated: 2025-02-18. Review status: criteria provided, single submitter. Criteria: Myriad Autosomal Dominant, Autosomal Recessive and X-Linked Classification Criteria (2023). Collection method: clinical testing. Allele origin: unknown.
Comment: This variant is considered likely benign. This variant is intronic and is not expected to impact mRNA splicing.

Labcorp Genetics (formerly Invitae), Labcorp
Classification: Likely benign for Fanconi anemia complementation group O. Last evaluated: 2025-02-05. Review status: criteria provided, single submitter. Criteria: Invitae Variant Classification Sherloc (09022015). Collection method: clinical testing. Allele origin: germline.